The following is an entry in ClinVar:

NM_004994.3(MMP9):c.1844G>A (p.Gly615Glu)

Genes: MMP9 (matrix metallopeptidase 9; plus strand), SLC12A5-AS1 (SLC12A5 and MMP9 antisense RNA 1; minus strand). Cytogenetic location: 20q13.12.
Variant type: single nucleotide variant.
Coding change: c.1844G>A on transcript NM_004994.3 (MANE Select); coding-DNA position 1844, G replaced by A.
Protein change: p.Gly615Glu; replaces glycine 615 with glutamic acid.
Molecular consequence: missense variant. On other transcripts: non-coding transcript variant (1).
Genome position (GRCh38, 1-based): chr20:46,014,217, G>A. VCF-style: chr20-46014217-G-A. GRCh37 (hg19) VCF-style: chr20-44642856-G-A.
Other names: c.1844G>A (NM_004994.2); short protein forms G615E.
Identifiers: ClinVar variation 2919711 (VCV002919711.3), dbSNP rs1261219645, ClinGen allele CA409224833.
Genomic context (GRCh38, chr20:46,014,217, plus strand): 5'-TGCTGGGCCCGAGGCGTCTGGACAAGCTGGGCCTGGGAGCCGACGTGGCCCAGGTGACCG[G>A]GGCCCTCCGGAGTGGCAGGGGGAAGATGCTGCTGTTCAGCGGGCGGCGCCTCTGGAGGTG-3'
Protein context (NP_004985.2, residues 605-625): GLGADVAQVT[Gly615Glu]ALRSGRGKML

ClinVar aggregate classification (germline): Uncertain significance. Review status: criteria provided, multiple submitters, no conflicts (2 of 4 stars). 2 submissions from 2 submitters: Uncertain significance (2). Last evaluated 2025-10-15.

Allele frequency attached by ClinVar (database versions not stated): gnomAD 0.00001; TOPMed 0.00002; gnomAD exomes 0.00001.
gnomAD v4.1: 4 of 1,537,642 alleles (0.00026%); highest among the groups gnomAD compares: Admixed American, 0.0079%; no homozygotes.

Submissions (2):

Labcorp Genetics (formerly Invitae), Labcorp
Classification: Uncertain significance. Last evaluated: 2025-10-15. Review status: criteria provided, single submitter. Criteria: Invitae Variant Classification Sherloc (09022015). Collection method: clinical testing. Allele origin: germline.
Comment: This sequence change replaces glycine, which is neutral and non-polar, with glutamic acid, which is acidic and polar, at codon 615 of the MMP9 protein (p.Gly615Glu). This variant is present in population databases (no rsID available, gnomAD 0.02%). This variant has not been reported in the literature in individuals affected with MMP9-related conditions. ClinVar contains an entry for this variant (Variation ID: 2919711). Invitae Evidence Modeling of protein sequence and biophysical properties (such as structural, functional, and spatial information, amino acid conservation, physicochemical variation, residue mobility, and thermodynamic stability) indicates that this missense variant is not expected to disrupt MMP9 protein function with a negative predictive value of 80%. In summary, the available evidence is currently insufficient to determine the role of this variant in disease. Therefore, it has been classified as a Variant of Uncertain Significance.

Ambry Genetics
Classification: Uncertain significance. Last evaluated: 2024-09-26. Review status: criteria provided, single submitter. Criteria: Ambry Variant Classification Scheme 2023. Collection method: clinical testing. Allele origin: germline.